The following is an entry in ClinVar:

ClinVar aggregate classification (germline): Pathogenic/Likely pathogenic. Review status: criteria provided, multiple submitters, no conflicts (2 of 4 stars). 2 submissions from 2 submitters: Pathogenic (1); Likely pathogenic (1). Last evaluated 2026-04-01.

Conditions:
Neurofibromatosis, type 1 (NF1). Also called: VON RECKLINGHAUSEN DISEASE; Neurofibromatosis, type I; NEUROFIBROMATOSIS, TYPE I, SOMATIC; Peripheral type neurofibromatosis. Identifiers: Orphanet 636, MedGen C0027831, MONDO:0018975, OMIM 162200. Disease mechanism: loss of function.

Submissions (2):

Department of Genetics, Sultan Qaboos University Hospital
Classification: Likely pathogenic for Neurofibromatosis, type 1. Last evaluated: 2026-04-01. Review status: criteria provided, single submitter. Criteria: ACMG Guidelines, 2015. Collection method: clinical testing. Allele origin: germline. Affected: yes. Observed: 1 variant allele.
Comment: PVS1_Moderate,PM2,PP5_Moderate

Labcorp Genetics (formerly Invitae), Labcorp
Classification: Pathogenic for Neurofibromatosis, type 1. Last evaluated: 2024-09-03. Review status: criteria provided, single submitter. Criteria: Invitae Variant Classification Sherloc (09022015). Collection method: clinical testing. Allele origin: germline.
Comment: This sequence change affects a donor splice site in intron 33 of the NF1 gene. It is expected to disrupt RNA splicing. Variants that disrupt the donor or acceptor splice site typically lead to a loss of protein function (PMID: 16199547), and loss-of-function variants in NF1 are known to be pathogenic (PMID: 10712197, 23913538). This variant is not present in population databases (gnomAD no frequency). Disruption of this splice site has been observed in individuals with neurofibromatosis type 1 (PMID: 10712197, 29483232; internal data). ClinVar contains an entry for this variant (Variation ID: 1066182). Algorithms developed to predict the effect of sequence changes on RNA splicing suggest that this variant may disrupt the consensus splice site. For these reasons, this variant has been classified as Pathogenic.

Literature cited by the submitters: PubMed 16199547 (cited by Labcorp Genetics (formerly Invitae), Labcorp); PubMed 10712197 (cited by Labcorp Genetics (formerly Invitae), Labcorp); PubMed 23913538 (cited by Labcorp Genetics (formerly Invitae), Labcorp); PubMed 29483232 (cited by Labcorp Genetics (formerly Invitae), Labcorp).

NM_001042492.3(NF1):c.4577+1G>C

Gene: NF1 (neurofibromin 1; plus strand). Cytogenetic location: 17q11.2.
Variant type: single nucleotide variant.
Coding change: c.4577+1G>C on transcript NM_001042492.3 (MANE Select); the canonical splice donor site of the intron after coding-DNA position 4577, G replaced by C.
Molecular consequence: splice donor variant.
Genome position (GRCh38, 1-based): chr17:31,260,516, G>C. VCF-style: chr17-31260516-G-C. GRCh37 (hg19) VCF-style: chr17-29587534-G-C.
Other names: c.4577+1G>C (NM_001042492.2); c.4514+1G>C (NM_000267.4).
Identifiers: ClinVar variation 1066182 (VCV001066182.6), dbSNP rs1279529138, ClinGen allele CA398999990.
Genomic context (GRCh38, chr17:31,260,516, plus strand): 5'-TTTACATCGTCTACTCTGGAACAATCAGGAGAAAATTGGGCAGTATCTTTCCAGCAACAG[G>C]TAAGATTTCCCAGTCATGGGGATAGTGAACACTCTCCGTTTAAATTTAGATTAATACAAT-3'